The following is an entry in ClinVar:

ClinVar aggregate classification (germline): Uncertain significance (1 of 4 stars; one submission).

Conditions:
Inborn genetic diseases. Identifiers: MedGen C0950123, MeSH D030342.

gnomAD v4.1: 4 of 1,613,086 alleles (0.00025%); highest among the groups gnomAD compares: East Asian, 0.0022%; no homozygotes.

Submission:

Ambry Genetics
Classification: Uncertain significance for Inborn genetic diseases. Last evaluated: 2024-11-21. Review status: criteria provided, single submitter. Criteria: Ambry Variant Classification Scheme 2023. Collection method: clinical testing. Allele origin: germline.
Comment: The p.E841G variant (also known as c.2522A>G), located in coding exon 22 of the ANKRD26 gene, results from an A to G substitution at nucleotide position 2522. The glutamic acid at codon 841 is replaced by glycine, an amino acid with similar properties. This amino acid position is conserved. In addition, this alteration is predicted to be tolerated by in silico analysis. Based on the available evidence, the clinical significance of this variant remains unclear.

NM_014915.3(ANKRD26):c.2522A>G (p.Glu841Gly)

Gene: ANKRD26 (ankyrin repeat domain containing 26; minus strand). Cytogenetic location: 10p12.1.
Variant type: single nucleotide variant.
Coding change: c.2522A>G on transcript NM_014915.3 (MANE Select); coding-DNA position 2522, A replaced by G.
Protein change: p.Glu841Gly; replaces glutamic acid 841 with glycine.
Molecular consequence: missense variant.
Genome position (GRCh38, 1-based): chr10:27,037,908, T>C on the plus strand (A>G on the coding strand, the complement: ANKRD26 is on the minus strand). VCF-style: chr10-27037908-T-C. GRCh37 (hg19) VCF-style: chr10-27326837-T-C.
Other names: c.2519A>G, p.Glu840Gly (NM_001256053.2); short protein forms E840G, E841G.
Identifiers: ClinVar variation 3396561 (VCV003396561.1).
Genomic context (GRCh38, chr10:27,037,908, plus strand): 5'-ATTTTTATCAAAAATTAATTTACCTGATTCAAATTACTTTTTACAGTCCTCAATTCCATC[T>C]CCAGTGTTTGGAGACTCAGTTCAAGCTGTTGTTTCACTTCAACTTCTTTCCTATATTGCT-3'
Protein context (NP_055730.2, residues 831-851): QQLELSLQTL[Glu841Gly]MELRTVKSNL